The following is an entry in ClinVar:

NM_001365999.1(SZT2):c.1610C>T (p.Pro537Leu)

Gene: SZT2 (SZT2 subunit of KICSTOR complex; plus strand). Cytogenetic location: 1p34.2.
Variant type: single nucleotide variant.
Coding change: c.1610C>T on transcript NM_001365999.1 (MANE Select); coding-DNA position 1610, C replaced by T.
Protein change: p.Pro537Leu; replaces proline 537 with leucine.
Molecular consequence: missense variant.
Genome position (GRCh38, 1-based): chr1:43,421,287, C>T. VCF-style: chr1-43421287-C-T. GRCh37 (hg19) VCF-style: chr1-43886958-C-T.
Other names: c.1610C>T, p.Pro537Leu (NM_015284.4); c.1610C>T (NM_015284.3); short protein forms P537L.
Identifiers: ClinVar variation 1051698 (VCV001051698.7), dbSNP rs753163879, ClinGen allele CA808459.
Genomic context (GRCh38, chr1:43,421,287, plus strand): 5'-CTGAGCATTTCACGCTTCCTGACAGCACCAAGAGCGGAGTGCCACTCTTCTACATCCCTC[C>T]AGGCTCCACCACCCCGGTGAGTAGCTCTGAAGTATAGTAGCCCCATTTCATGTCAACTTG-3'
Protein context (NP_001352928.1, residues 527-547): KSGVPLFYIP[Pro537Leu]GSTTPVLSLQ

ClinVar aggregate classification (germline): Uncertain significance. Review status: criteria provided, multiple submitters, no conflicts (2 of 4 stars). 2 submissions from 2 submitters: Uncertain significance (2). Last evaluated 2024-12-06.

Allele frequency attached by ClinVar (database versions not stated): TOPMed 0.00001; gnomAD 0.00002; gnomAD exomes 0.00003 and 0.00007; ExAC 0.00009.
gnomAD v4.1: 46 of 1,598,474 alleles (0.0029%); highest among the groups gnomAD compares: Non-Finnish European, 0.0011%; no homozygotes.

Submissions (2):

GeneDx
Classification: Uncertain significance. Last evaluated: 2024-12-06. Review status: criteria provided, single submitter. Criteria: GeneDx Variant Classification Process June 2021. Collection method: clinical testing. Allele origin: germline. Affected: yes.
Comment: In silico analysis supports that this missense variant has a deleterious effect on protein structure/function; Has not been previously published as pathogenic or benign to our knowledge

Labcorp Genetics (formerly Invitae), Labcorp
Classification: Uncertain significance. Last evaluated: 2021-09-01. Review status: criteria provided, single submitter. Criteria: Invitae Variant Classification Sherloc (09022015). Collection method: clinical testing. Allele origin: germline.
Comment: This sequence change replaces proline with leucine at codon 537 of the SZT2 protein (p.Pro537Leu). The proline residue is weakly conserved and there is a moderate physicochemical difference between proline and leucine. This variant is present in population databases (rs753163879, ExAC 0.08%). This variant has not been reported in the literature in individuals affected with SZT2-related conditions. Algorithms developed to predict the effect of missense changes on protein structure and function are either unavailable or do not agree on the potential impact of this missense change (SIFT: "Tolerated"; PolyPhen-2: "Probably Damaging"; Align-GVGD: "Class C0"). In summary, the available evidence is currently insufficient to determine the role of this variant in disease. Therefore, it has been classified as a Variant of Uncertain Significance.